The following is an entry in ClinVar:

NM_022455.5(NSD1):c.5810C>A (p.Ser1937Tyr)

Gene: NSD1 (nuclear receptor binding SET domain protein 1; plus strand). Cytogenetic location: 5q35.3.
Variant type: single nucleotide variant.
Coding change: c.5810C>A on transcript NM_022455.5 (MANE Select); coding-DNA position 5810, C replaced by A.
Protein change: p.Ser1937Tyr; replaces serine 1937 with tyrosine.
Molecular consequence: missense variant.
Genome position (GRCh38, 1-based): chr5:177,280,752, C>A. VCF-style: chr5-177280752-C-A. GRCh37 (hg19) VCF-style: chr5-176707753-C-A.
Other names: c.4937C>A, p.Ser1646Tyr (NM_001365684.2, NM_001409308.1, NM_001409309.1 and 1 more transcripts); c.5810C>A, p.Ser1937Tyr (NM_001409301.1, NM_001409302.1, NM_001409303.1); c.5390C>A, p.Ser1797Tyr (NM_001409304.1); c.5057C>A, p.Ser1686Tyr (NM_001409305.1); c.5048C>A, p.Ser1683Tyr (NM_001409306.1, NM_001409307.1); short protein forms S1646Y, S1683Y, S1686Y, S1797Y, S1937Y.
Identifiers: ClinVar variation 5002904 (VCV005002904.1).

ClinVar aggregate classification (germline): Uncertain significance (1 of 4 stars; one submission).

Conditions:
Sotos syndrome (SOTOS). Also called: Distinctive facial appearance, overgrowth in childhood, and learning disabilities or delayed development; CHROMOSOME 5q35 DELETION SYNDROME; CEREBRAL GIGANTISM; SOTOS SYNDROME 1; Sotos' syndrome. Identifiers: Orphanet 821, MedGen C0175695, MONDO:0019349, OMIM 117550.

Submission:

OLLIN Analises Genomicas, OLLIN
Classification: Uncertain significance for Sotos syndrome. Last evaluated: 2026-08-06. Review status: criteria provided, single submitter. Criteria: ACMG Guidelines 2015 PMID 25741868. Collection method: clinical testing. Allele origin: germline. Inheritance: Autosomal dominant inheritance.
Comment: This missense variant, located in exon 18 (of 23), is absent from gnomAD and ClinVar and has not been identified in the literature. In silico analysis is inconclusive regarding the impact of this variant. This variant is located in a region considered to be a mutational hotspot. This gene is constrained for missense variation. According to the currently available evidence, this variant has been classified as uncertain significance (PM1, PM2_P, PP2).